The following is an entry in ClinVar:

ClinVar aggregate classification (germline): Uncertain significance (1 of 4 stars; one submission).

Allele frequency attached by ClinVar (database versions not stated): TOPMed below 0.00001.
gnomAD v4.1: 2 of 1,434,370 alleles (0.00014%); highest among the groups gnomAD compares: Non-Finnish European, 0.00018%; no homozygotes.

Submission:

Labcorp Genetics (formerly Invitae), Labcorp
Classification: Uncertain significance. Last evaluated: 2025-09-28. Review status: criteria provided, single submitter. Criteria: Invitae Variant Classification Sherloc (09022015). Collection method: clinical testing. Allele origin: germline.
Comment: This sequence change replaces glycine, which is neutral and non-polar, with arginine, which is basic and polar, at codon 71 of the KMT2A protein (p.Gly71Arg). This variant is not present in population databases (gnomAD no frequency). This variant has not been reported in the literature in individuals affected with KMT2A-related conditions. ClinVar contains an entry for this variant (Variation ID: 1424271). Invitae Evidence Modeling of protein sequence and biophysical properties (such as structural, functional, and spatial information, amino acid conservation, physicochemical variation, residue mobility, and thermodynamic stability) indicates that this missense variant is not expected to disrupt KMT2A protein function with a negative predictive value of 95%. In summary, the available evidence is currently insufficient to determine the role of this variant in disease. Therefore, it has been classified as a Variant of Uncertain Significance.

NM_001197104.2(KMT2A):c.211G>C (p.Gly71Arg)

Gene: KMT2A (lysine methyltransferase 2A; plus strand). Cytogenetic location: 11q23.3.
Variant type: single nucleotide variant.
Coding change: c.211G>C on transcript NM_001197104.2 (MANE Select); coding-DNA position 211, G replaced by C.
Protein change: p.Gly71Arg; replaces glycine 71 with arginine.
Molecular consequence: missense variant.
Genome position (GRCh38, 1-based): chr11:118,436,723, G>C. VCF-style: chr11-118436723-G-C. GRCh37 (hg19) VCF-style: chr11-118307438-G-C.
Other names: c.211G>C, p.Gly71Arg (NM_005933.4); short protein forms G71R.
Identifiers: ClinVar variation 1424271 (VCV001424271.8), dbSNP rs1423453846, ClinGen allele CA382797601.